The following is an entry in ClinVar:

ClinVar aggregate classification (germline): Uncertain significance (1 of 4 stars; one submission).

Conditions:
Hypertrophic cardiomyopathy 26. Also called: Cardiomyopathy, familial hypertrophic, 26. Identifiers: Orphanet 75249, MedGen C4310749, MONDO:0014883, OMIM 617047.
Myofibrillar myopathy 5. Also called: Filaminopathy (type); FILAMINOPATHY, AUTOSOMAL DOMINANT. Identifiers: Orphanet 171445, MedGen C1836050, MONDO:0012289, OMIM 609524.
Distal myopathy with posterior leg and anterior hand involvement. Also called: WILLIAMS DISTAL MYOPATHY. Identifiers: Orphanet 63273, MedGen C3279722, MONDO:0013550, OMIM 614065.

gnomAD v4.1: 1 of 1,614,108 alleles (0.000062%); highest among the groups gnomAD compares: Non-Finnish European, 0.000085%; no homozygotes.

Submission:

Labcorp Genetics (formerly Invitae), Labcorp
Classification: Uncertain significance for Distal myopathy with posterior leg and anterior hand involvement; Myofibrillar myopathy 5; Hypertrophic cardiomyopathy 26. Last evaluated: 2025-07-29. Review status: criteria provided, single submitter. Criteria: Invitae Variant Classification Sherloc (09022015). Collection method: clinical testing. Allele origin: germline.
Comment: This sequence change replaces alanine, which is neutral and non-polar, with serine, which is neutral and polar, at codon 1455 of the FLNC protein (p.Ala1455Ser). This variant is not present in population databases (gnomAD no frequency). This variant has not been reported in the literature in individuals affected with FLNC-related conditions. Invitae Evidence Modeling of protein sequence and biophysical properties (such as structural, functional, and spatial information, amino acid conservation, physicochemical variation, residue mobility, and thermodynamic stability) has been performed for this missense variant. However, the output from this modeling did not meet the statistical confidence thresholds required to predict the impact of this variant on FLNC protein function. In summary, the available evidence is currently insufficient to determine the role of this variant in disease. Therefore, it has been classified as a Variant of Uncertain Significance.

NM_001458.5(FLNC):c.4363G>T (p.Ala1455Ser)

Gene: FLNC (filamin C; plus strand). Cytogenetic location: 7q32.1.
Variant type: single nucleotide variant.
Coding change: c.4363G>T on transcript NM_001458.5 (MANE Select); coding-DNA position 4363, G replaced by T.
Protein change: p.Ala1455Ser; replaces alanine 1455 with serine.
Molecular consequence: missense variant.
Genome position (GRCh38, 1-based): chr7:128,847,771, G>T. VCF-style: chr7-128847771-G-T. GRCh37 (hg19) VCF-style: chr7-128487825-G-T.
Other names: c.4363G>T, p.Ala1455Ser (NM_001127487.2); short protein forms A1455S.
Identifiers: ClinVar variation 4812420 (VCV004812420.1).